The following is an entry in ClinVar:

NM_133259.4(LRPPRC):c.1156-13dup

Gene: LRPPRC (leucine rich pentatricopeptide repeat containing; minus strand). Cytogenetic location: 2p21.
Variant type: Duplication.
Coding change: c.1156-13dup on transcript NM_133259.4 (MANE Select); 13 bases into the intron before coding-DNA position 1156, one base duplicated (T; older notation c.1156-13dupT).
Molecular consequence: intron variant.
Genome position (GRCh38, 1-based): chr2:43,973,908, A duplicated on the plus strand (T on the coding strand, the reverse complement: LRPPRC is on the minus strand); the first of 6 consecutive A bases (chr2:43,973,908-43,973,913); duplicating any one gives the same sequence. VCF-style (leftmost placement, unchanged base first): chr2-43973907-G-GA. GRCh37 (hg19) VCF-style: chr2-44201046-G-GA.
Other names: c.1156-8dupT (NM_133259.3).
Identifiers: ClinVar variation 336169 (VCV000336169.12), dbSNP rs747766605, ClinGen allele CA1639072.
Genomic context (GRCh38, chr2:43,973,907, plus strand): 5'-GTGCATCTGGACTTCCTTTAACTTCTTACAGTAGTCTGTTAGCTTCTCCACAGGCTGTGG[G>GA]AAAAAAGTCACCACATTAGCTGGATTGGCAAACACCCCACCGTTTGACCTGCTGCAAATA-3'

ClinVar aggregate classification (germline): Benign/Likely benign. Review status: criteria provided, multiple submitters, no conflicts (2 of 4 stars). 2 submissions from 2 submitters: Benign (1); Likely benign (1). Last evaluated 2024-07-22.

Submissions (2):

Labcorp Genetics (formerly Invitae), Labcorp
Classification: Benign. Last evaluated: 2024-07-22. Review status: criteria provided, single submitter. Criteria: Invitae Variant Classification Sherloc (09022015). Collection method: clinical testing. Allele origin: germline.

GeneDx
Classification: Likely benign. Last evaluated: 2016-05-26. Review status: criteria provided, single submitter. Criteria: GeneDx Variant Classification (06012015). Collection method: clinical testing. Allele origin: germline. Affected: yes.
Comment: This variant is considered likely benign or benign based on one or more of the following criteria: it is a conservative change, it occurs at a poorly conserved position in the protein, it is predicted to be benign by multiple in silico algorithms, and/or has population frequency not consistent with disease.